The following is an entry in ClinVar:

NM_006206.6(PDGFRA):c.1183G>T (p.Val395Leu)

Gene: PDGFRA (platelet derived growth factor receptor alpha; plus strand). Cytogenetic location: 4q12.
Variant type: single nucleotide variant.
Coding change: c.1183G>T on transcript NM_006206.6 (MANE Select); coding-DNA position 1183, G replaced by T.
Protein change: p.Val395Leu; replaces valine 395 with leucine.
Molecular consequence: missense variant.
Genome position (GRCh38, 1-based): chr4:54,270,694, G>T. VCF-style: chr4-54270694-G-T. GRCh37 (hg19) VCF-style: chr4-55136861-G-T.
Other names: c.1183G>T, p.Val395Leu (NM_001347827.2, NM_001347829.2); c.1258G>T, p.Val420Leu (NM_001347828.2); c.1222G>T, p.Val408Leu (NM_001347830.2); short protein forms V395L, V408L, V420L.
Identifiers: ClinVar variation 528548 (VCV000528548.15), dbSNP rs1354659434, ClinGen allele CA356892000.

ClinVar aggregate classification (germline): Uncertain significance. Review status: criteria provided, multiple submitters, no conflicts (2 of 4 stars). 2 submissions from 2 submitters: Uncertain significance (2). Last evaluated 2024-10-21.

Conditions:
Hereditary cancer-predisposing syndrome. Also called: Tumor predisposition; Hereditary neoplastic syndrome; Hereditary Cancer Syndrome; Neoplastic Syndromes, Hereditary. Identifiers: Orphanet 140162, MedGen C0027672, MeSH D009386, MONDO:0015356.
Gastrointestinal stromal tumor. Also called: Gastrointestinal stroma tumor; Gastrointestinal stromal tumor, somatic. Identifiers: Orphanet 44890, MedGen C0238198, MeSH D046152, MONDO:0011719, OMIM 606764, HP:0100723.

Allele frequency attached by ClinVar (database versions not stated): gnomAD exomes below 0.00001; TOPMed below 0.00001; gnomAD 0.00001.
gnomAD v4.1: 3 of 1,612,058 alleles (0.00019%); highest among the groups gnomAD compares: Non-Finnish European, 0.00025%; no homozygotes.

Submissions (2):

Labcorp Genetics (formerly Invitae), Labcorp
Classification: Uncertain significance for Gastrointestinal stromal tumor. Last evaluated: 2024-10-21. Review status: criteria provided, single submitter. Criteria: Invitae Variant Classification Sherloc (09022015). Collection method: clinical testing. Allele origin: germline.
Comment: This sequence change replaces valine, which is neutral and non-polar, with leucine, which is neutral and non-polar, at codon 395 of the PDGFRA protein (p.Val395Leu). This variant is not present in population databases (gnomAD no frequency). This variant has not been reported in the literature in individuals affected with PDGFRA-related conditions. ClinVar contains an entry for this variant (Variation ID: 528548). Invitae Evidence Modeling of protein sequence and biophysical properties (such as structural, functional, and spatial information, amino acid conservation, physicochemical variation, residue mobility, and thermodynamic stability) indicates that this missense variant is not expected to disrupt PDGFRA protein function with a negative predictive value of 80%. In summary, the available evidence is currently insufficient to determine the role of this variant in disease. Therefore, it has been classified as a Variant of Uncertain Significance.

Ambry Genetics
Classification: Uncertain significance for Hereditary cancer-predisposing syndrome. Last evaluated: 2023-11-08. Review status: criteria provided, single submitter. Criteria: Ambry Variant Classification Scheme 2023. Collection method: clinical testing. Allele origin: germline.
Comment: The p.V395L variant (also known as c.1183G>T), located in coding exon 7 of the PDGFRA gene, results from a G to T substitution at nucleotide position 1183. The valine at codon 395 is replaced by leucine, an amino acid with highly similar properties. This amino acid position is not well conserved in available vertebrate species. In addition, this alteration is predicted to be tolerated by in silico analysis. Since supporting evidence is limited at this time, the clinical significance of this alteration remains unclear.